The following is an entry in ClinVar:

NM_004341.5(CAD):c.496-2A>C

Gene: CAD (carbamoyl-phosphate synthetase 2, aspartate transcarbamylase, and dihydroorotase; plus strand). Cytogenetic location: 2p23.3.
Variant type: single nucleotide variant.
Coding change: c.496-2A>C on transcript NM_004341.5 (MANE Select); the canonical splice acceptor site of the intron before coding-DNA position 496, A replaced by C.
Molecular consequence: splice acceptor variant.
Genome position (GRCh38, 1-based): chr2:27,222,517, A>C. VCF-style: chr2-27222517-A-C. GRCh37 (hg19) VCF-style: chr2-27445385-A-C.
Other names: c.496-2A>C (NM_001306079.2).
Identifiers: ClinVar variation 2834795 (VCV002834795.3), dbSNP rs2465288675, ClinGen allele CA346199394.

ClinVar aggregate classification (germline): Likely pathogenic (1 of 4 stars; one submission).

Submission:

Labcorp Genetics (formerly Invitae), Labcorp
Classification: Likely pathogenic. Last evaluated: 2023-10-12. Review status: criteria provided, single submitter. Criteria: Invitae Variant Classification Sherloc (09022015). Collection method: clinical testing. Allele origin: germline.
Comment: This sequence change affects an acceptor splice site in intron 4 of the CAD gene. It is expected to disrupt RNA splicing. Variants that disrupt the donor or acceptor splice site typically lead to a loss of protein function (PMID: 16199547), and loss-of-function variants in CAD are known to be pathogenic (PMID: 28007989, 32117025, 32820246, 33497533). This variant is not present in population databases (gnomAD no frequency). This variant has not been reported in the literature in individuals affected with CAD-related conditions. Algorithms developed to predict the effect of sequence changes on RNA splicing suggest that this variant may disrupt the consensus splice site. In summary, the currently available evidence indicates that the variant is pathogenic, but additional data are needed to prove that conclusively. Therefore, this variant has been classified as Likely Pathogenic.

Literature cited by the submitters: PubMed 16199547; PubMed 28007989; PubMed 32117025; PubMed 32820246; PubMed 33497533.